The following is an entry in ClinVar:

NM_001035.3(RYR2):c.2613+271C>T

Gene: RYR2 (ryanodine receptor 2; plus strand). Cytogenetic location: 1q43.
Variant type: single nucleotide variant.
Coding change: c.2613+271C>T on transcript NM_001035.3 (MANE Select); 271 bases into the intron after coding-DNA position 2613, C replaced by T.
Molecular consequence: intron variant.
Genome position (GRCh38, 1-based): chr1:237,503,776, C>T. VCF-style: chr1-237503776-C-T. GRCh37 (hg19) VCF-style: chr1-237667076-C-T.
Identifiers: ClinVar variation 673370 (VCV000673370.1), dbSNP rs150977296, ClinGen allele CA39780842.

ClinVar aggregate classification (germline): Likely benign (1 of 4 stars; one submission).

Allele frequency attached by ClinVar (database versions not stated): gnomAD 0.00999 and 0.01036; TOPMed 0.01082; 1000 Genomes Project 0.01318; 1000 Genomes Project 30x 0.01468.
gnomAD v4.1: 1,515 of 152,138 alleles (1%); highest among the groups gnomAD compares: African/African-American, 3.2%; 28 homozygotes.

Submission:

GeneDx
Classification: Likely benign. Last evaluated: 2018-06-16. Review status: criteria provided, single submitter. Criteria: GeneDx Variant Classification (06012015). Collection method: clinical testing. Allele origin: germline. Affected: yes.
Comment: This variant is considered likely benign or benign based on one or more of the following criteria: it is a conservative change, it occurs at a poorly conserved position in the protein, it is predicted to be benign by multiple in silico algorithms, and/or has population frequency not consistent with disease.